The following is an entry in ClinVar:

ClinVar aggregate classification (germline): Uncertain significance. Review status: criteria provided, multiple submitters, no conflicts (2 of 4 stars). 5 submissions from 5 submitters: Uncertain significance (5). Last evaluated 2026-01-14.

Conditions:
Cardiovascular phenotype. Identifiers: MedGen CN230736.
Primary familial dilated cardiomyopathy (FDC). Also called: Familial dilated cardiomyopathy; Hypokinetic dilated cardiomyopathy, familial. Identifiers: Orphanet 217607, MedGen C0340427, MONDO:0016333.
Catecholaminergic polymorphic ventricular tachycardia (CVPT). Also called: Catecholamine-induced polymorphic ventricular tachycardia. Identifiers: Orphanet 3286, MedGen C5574922, MONDO:0017990.
Cardiomyopathy (CMYO). Also called: Cardiomyopathies. Identifiers: Orphanet 167848, MedGen C0878544, MONDO:0004994, HP:0001638. Inheritance: Various modes of inheritance.
Catecholaminergic polymorphic ventricular tachycardia 1. Also called: RYR2-Related Catecholaminergic Polymorphic Ventricular Tachycardia; VENTRICULAR TACHYCARDIA, CATECHOLAMINERGIC POLYMORPHIC, 1, WITH OR WITHOUT ATRIAL DYSFUNCTION AND/OR DILATED CARDIOMYOPATHY; VENTRICULAR TACHYCARDIA, STRESS-INDUCED POLYMORPHIC 1. Identifiers: Orphanet 3286, MedGen C1631597, MONDO:0011484, OMIM 604772.

Allele frequency attached by ClinVar (database versions not stated): gnomAD exomes below 0.00001 and 0.00002; TOPMed below 0.00001.
gnomAD v4.1: 23 of 1,613,980 alleles (0.0014%); highest among the groups gnomAD compares: East Asian, 0.0022%; no homozygotes.

Submissions (5):

Labcorp Genetics (formerly Invitae), Labcorp
Classification: Uncertain significance for Catecholaminergic polymorphic ventricular tachycardia 1. Last evaluated: 2026-01-14. Review status: criteria provided, single submitter. Criteria: Invitae Variant Classification Sherloc (09022015). Collection method: clinical testing. Allele origin: germline.
Comment: This sequence change replaces histidine, which is basic and polar, with arginine, which is basic and polar, at codon 3233 of the RYR2 protein (p.His3233Arg). This variant is present in population databases (no rsID available, gnomAD 0.0009%). This variant has not been reported in the literature in individuals affected with RYR2-related conditions. ClinVar contains an entry for this variant (Variation ID: 518481). Invitae Evidence Modeling of protein sequence and biophysical properties (such as structural, functional, and spatial information, amino acid conservation, physicochemical variation, residue mobility, and thermodynamic stability) indicates that this missense variant is not expected to disrupt RYR2 protein function with a negative predictive value of 95%. In summary, the available evidence is currently insufficient to determine the role of this variant in disease. Therefore, it has been classified as a Variant of Uncertain Significance.

All of Us Research Program, National Institutes of Health
Classification: Uncertain significance for Catecholaminergic polymorphic ventricular tachycardia. Last evaluated: 2024-05-17. Review status: criteria provided, single submitter. Criteria: ACMG Guidelines, 2015. Collection method: clinical testing. Allele origin: germline. Inheritance: Autosomal dominant inheritance. Observed: 3 variant alleles, 3 heterozygotes.
Comment: This variant replaces histidine with arginine at codon 3233 of the RYR2 protein. Computational prediction is inconclusive regarding the impact of this variant on protein structure and function (internally defined REVEL score threshold 0.5 < inconclusive < 0.7, PMID: 27666373). To our knowledge, functional studies have not been reported for this variant. This variant has not been reported in individuals affected with cardiovascular disorders in the literature. This variant has been identified in 1/249080 chromosomes in the general population by the Genome Aggregation Database (gnomAD). The available evidence is insufficient to determine the role of this variant in disease conclusively. Therefore, this variant is classified as a Variant of Uncertain Significance.

This study involves interpretation of variants in research participants for the purpose of population health screening. Participant phenotype was not available at the time of variant classification. Additional details can be found in publication PMID: 35346344, PMCID: PMC8962531

Color Diagnostics, LLC DBA Color Health
Classification: Uncertain significance for Cardiomyopathy. Last evaluated: 2024-03-06. Review status: criteria provided, single submitter. Criteria: ACMG Guidelines, 2015. Collection method: clinical testing. Allele origin: germline.
Comment: This variant replaces histidine with arginine at codon 3233 of the RYR2 protein. Computational prediction is inconclusive regarding the impact of this variant on protein structure and function (internally defined REVEL score threshold 0.5 < inconclusive < 0.7, PMID: 27666373). To our knowledge, functional studies have not been reported for this variant. This variant has not been reported in individuals affected with cardiovascular disorders in the literature. This variant has been identified in 1/249080 chromosomes in the general population by the Genome Aggregation Database (gnomAD). The available evidence is insufficient to determine the role of this variant in disease conclusively. Therefore, this variant is classified as a Variant of Uncertain Significance.

Ambry Genetics
Classification: Uncertain significance for Cardiovascular phenotype. Last evaluated: 2017-07-10. Review status: criteria provided, single submitter. Criteria: Ambry Variant Classification Scheme 2023. Collection method: clinical testing. Allele origin: germline.
Comment: The p.H3233R variant (also known as c.9698A>G), located in coding exon 68 of the RYR2 gene, results from an A to G substitution at nucleotide position 9698. The histidine at codon 3233 is replaced by arginine, an amino acid with highly similar properties. This amino acid position is highly conserved in available vertebrate species. In addition, the in silico prediction for this alteration is inconclusive. Since supporting evidence is limited at this time, the clinical significance of this alteration remains unclear.

Molecular Diagnostic Laboratory for Inherited Cardiovascular Disease, Montreal Heart Institute
Classification: Uncertain significance for Primary familial dilated cardiomyopathy. Last evaluated: 2017-05-05. Review status: criteria provided, single submitter. Criteria: ACMG Guidelines, 2015. Collection method: clinical testing. Allele origin: germline. Affected: yes.

NM_001035.3(RYR2):c.9698A>G (p.His3233Arg)

Gene: RYR2 (ryanodine receptor 2; plus strand). Cytogenetic location: 1q43.
Variant type: single nucleotide variant.
Coding change: c.9698A>G on transcript NM_001035.3 (MANE Select); coding-DNA position 9698, A replaced by G.
Protein change: p.His3233Arg; replaces histidine 3233 with arginine.
Molecular consequence: missense variant.
Genome position (GRCh38, 1-based): chr1:237,707,066, A>G. VCF-style: chr1-237707066-A-G. GRCh37 (hg19) VCF-style: chr1-237870366-A-G.
Other names: c.9698A>G, p.His3233Arg (LRG_402t1); short protein forms H3233R.
Identifiers: ClinVar variation 518481 (VCV000518481.24), dbSNP rs1386204884, ClinGen allele CA345408591.